The following is an entry in ClinVar:

NM_001829.4(CLCN3):c.2212A>T (p.Thr738Ser)

Gene: CLCN3 (chloride voltage-gated channel 3; plus strand). Cytogenetic location: 4q33.
Variant type: single nucleotide variant.
Coding change: c.2212A>T on transcript NM_001829.4 (MANE Select); coding-DNA position 2212, A replaced by T.
Protein change: p.Thr738Ser; replaces threonine 738 with serine.
Molecular consequence: missense variant.
Genome position (GRCh38, 1-based): chr4:169,713,141, A>T. VCF-style: chr4-169713141-A-T. GRCh37 (hg19) VCF-style: chr4-170634292-A-T.
Other names: c.2131A>T, p.Thr711Ser (NM_001243372.2, NM_001243374.2); c.2212A>T, p.Thr738Ser (NM_173872.4); short protein forms T711S, T738S.
Identifiers: ClinVar variation 4530740 (VCV004530740.1).

ClinVar aggregate classification (germline): Uncertain significance (1 of 4 stars; one submission).

Submission:

GeneDx
Classification: Uncertain significance. Last evaluated: 2025-05-22. Review status: criteria provided, single submitter. Criteria: GeneDx Variant Classification Process June 2021. Collection method: clinical testing. Allele origin: germline. Affected: yes.
Comment: Not observed at significant frequency in large population cohorts (gnomAD); In silico analysis suggests that this missense variant does not alter protein structure/function; Has not been previously published as pathogenic or benign to our knowledge